The following is an entry in ClinVar:

ClinVar aggregate classification (germline): Uncertain significance. Review status: criteria provided, multiple submitters, no conflicts (2 of 4 stars). 3 submissions from 3 submitters: Uncertain significance (3). Last evaluated 2025-06-09.

Conditions:
BNAR syndrome. Also called: Bifid Nose With or Without Anorectal and Renal Anomalies (BNAR) Syndrome. Identifiers: Orphanet 217266, MedGen C2750433, MONDO:0012165, OMIM 608980.
Oculotrichoanal syndrome (MOTA). Also called: Manitoba Oculotrichoanal (MOTA) Syndrome; MARLES SYNDROME. Identifiers: Orphanet 2717, MedGen C1855425, MONDO:0009560, OMIM 248450.
Trigonocephaly 2 (TRIGNO2). Identifiers: Orphanet 3366, MedGen C3280974, MONDO:0013774, OMIM 614485.

Allele frequency attached by ClinVar (database versions not stated): gnomAD 0.00001; TOPMed 0.00002.
gnomAD v4.1: 13 of 1,612,838 alleles (0.00081%); highest among the groups gnomAD compares: Non-Finnish European, 0.0011%; no homozygotes.

Submissions (3):

Labcorp Genetics (formerly Invitae), Labcorp
Classification: Uncertain significance. Last evaluated: 2025-06-09. Review status: criteria provided, single submitter. Criteria: Invitae Variant Classification Sherloc (09022015). Collection method: clinical testing. Allele origin: germline.
Comment: This sequence change replaces aspartic acid, which is acidic and polar, with glutamic acid, which is acidic and polar, at codon 1119 of the FREM1 protein (p.Asp1119Glu). This variant is present in population databases (rs761057149, gnomAD 0.002%). This variant has not been reported in the literature in individuals affected with FREM1-related conditions. ClinVar contains an entry for this variant (Variation ID: 2659083). Invitae Evidence Modeling of protein sequence and biophysical properties (such as structural, functional, and spatial information, amino acid conservation, physicochemical variation, residue mobility, and thermodynamic stability) indicates that this missense variant is expected to disrupt FREM1 protein function with a positive predictive value of 80%. In summary, the available evidence is currently insufficient to determine the role of this variant in disease. Therefore, it has been classified as a Variant of Uncertain Significance.

Fulgent Genetics
Classification: Uncertain significance for Oculotrichoanal syndrome; BNAR syndrome; Trigonocephaly 2. Last evaluated: 2024-01-02. Review status: criteria provided, single submitter. Criteria: ACMG Guidelines, 2015. Collection method: clinical testing. Allele origin: germline.

CeGaT Center for Human Genetics Tuebingen
Classification: Uncertain significance. Last evaluated: 2022-05-01. Review status: criteria provided, single submitter. Criteria: CeGaT Center For Human Genetics Tuebingen Variant Classification Criteria Version 2. Collection method: clinical testing. Allele origin: germline. Affected: yes. Observed: 1 variant allele.
Comment: FREM1: PM2

NM_001379081.2(FREM1):c.3357C>A (p.Asp1119Glu)

Gene: FREM1 (FRAS1 related extracellular matrix 1; minus strand). Cytogenetic location: 9p22.3.
Variant type: single nucleotide variant.
Coding change: c.3357C>A on transcript NM_001379081.2 (MANE Select); coding-DNA position 3357, C replaced by A.
Protein change: p.Asp1119Glu; replaces aspartic acid 1119 with glutamic acid.
Molecular consequence: missense variant. On other transcripts: non-coding transcript variant (2).
Genome position (GRCh38, 1-based): chr9:14,805,070, G>T on the plus strand (C>A on the coding strand, the complement: FREM1 is on the minus strand). VCF-style: chr9-14805070-G-T. GRCh37 (hg19) VCF-style: chr9-14805068-G-T.
Other names: c.3357C>A, p.Asp1119Glu (NM_144966.7); c.3357C>A (NM_144966.5); short protein forms D1119E.
Identifiers: ClinVar variation 2659083 (VCV002659083.26), dbSNP rs761057149, ClinGen allele CA4990588.